The following is an entry in ClinVar:

NM_000238.4(KCNH2):c.3105_3107dup (p.Gly1036dup)

Gene: KCNH2 (potassium voltage-gated channel subfamily H member 2; minus strand). Cytogenetic location: 7q36.1.
Variant type: Duplication.
Coding change: c.3105_3107dup on transcript NM_000238.4 (MANE Select); coding-DNA positions 3105 to 3107, 3 bases duplicated (GGG; older notation c.3105_3107dupGGG).
Protein change: p.Gly1036dup; duplicates glycine 1036.
Molecular consequence: inframe insertion.
Genome position (GRCh38, 1-based): chr7:150,947,373-150,947,375, CCC duplicated on the plus strand (GGG on the coding strand, the reverse complement: KCNH2 is on the minus strand); duplicating any 3 consecutive bases within chr7:150,947,373-150,947,376 gives the same sequence; the c. name uses the placement nearest the transcript's 3' end. VCF-style (leftmost placement, unchanged base first): chr7-150947372-G-GCCC. GRCh37 (hg19) VCF-style: chr7-150644460-G-GCCC.
Other names: c.2085_2087dup, p.Gly696dup (NM_172057.3); c.3105_3107dupGGG (NM_000238.3); c.3105_3107dup (NM_000238.2).
Identifiers: ClinVar variation 845975 (VCV000845975.13), dbSNP rs794728469, ClinGen allele CA579075355.

ClinVar aggregate classification (germline): Uncertain significance. Review status: criteria provided, multiple submitters, no conflicts (2 of 4 stars). 4 submissions from 4 submitters: Uncertain significance (4). Last evaluated 2025-09-14.

Conditions:
Long QT syndrome (LQTS). Identifiers: MedGen C0023976, MeSH D008133, MONDO:0002442. Disease mechanism: loss of function. Inheritance: Various modes of inheritance.
Cardiovascular phenotype. Identifiers: MedGen CN230736.
Long QT syndrome 2 (LQT2). Identifiers: Orphanet 101016, Orphanet 768, MedGen C3150943, MONDO:0013367, OMIM 613688.
Short QT syndrome type 1. Identifiers: Orphanet 51083, MedGen C1865020, MONDO:0012312, OMIM 609620.

Submissions (4):

Labcorp Genetics (formerly Invitae), Labcorp
Classification: Uncertain significance for Long QT syndrome. Last evaluated: 2025-09-14. Review status: criteria provided, single submitter. Criteria: Invitae Variant Classification Sherloc (09022015). Collection method: clinical testing. Allele origin: germline.
Comment: This variant, c.3105_3107dup, results in the insertion of 1 amino acid(s) of the KCNH2 protein (p.Gly1036dup), but otherwise preserves the integrity of the reading frame. This variant is present in population databases (no rsID available, gnomAD 0.02%). This variant has not been reported in the literature in individuals affected with KCNH2-related conditions. ClinVar contains an entry for this variant (Variation ID: 845975). Experimental studies and prediction algorithms are not available or were not evaluated, and the functional significance of this variant is currently unknown. In summary, the available evidence is currently insufficient to determine the role of this variant in disease. Therefore, it has been classified as a Variant of Uncertain Significance.

GeneDx
Classification: Uncertain significance. Last evaluated: 2025-05-21. Review status: criteria provided, single submitter. Criteria: GeneDx Variant Classification Process June 2021. Collection method: clinical testing. Allele origin: germline. Affected: yes.
Comment: Not observed at significant frequency in large population cohorts (gnomAD); In-frame duplication of 1 amino acid in a non-repeat region; Has not been previously published as pathogenic or benign to our knowledge

Ambry Genetics
Classification: Uncertain significance for Cardiovascular phenotype. Last evaluated: 2024-03-14. Review status: criteria provided, single submitter. Criteria: Ambry Variant Classification Scheme 2023. Collection method: clinical testing. Allele origin: germline.
Comment: The c.3105_3107dupGGG variant (also known as p.G1036dup), located in coding exon 13 of the KCNH2 gene, results from an in-frame duplication of GGG at nucleotide positions 3105 to 3107. This results in the duplication of an extra glycine residue between codons 1036 and 1037. This amino acid position is not well conserved in available vertebrate species. In addition, the in silico prediction for this alteration is inconclusive (Choi Y et al. PLoS ONE. 2012; 7(10):e46688). Based on the available evidence, the clinical significance of this alteration remains unclear.

Fulgent Genetics
Classification: Uncertain significance for Short QT syndrome type 1; Long QT syndrome 2. Last evaluated: 2021-11-03. Review status: criteria provided, single submitter. Criteria: ACMG Guidelines, 2015. Collection method: clinical testing. Allele origin: unknown.